The following is an entry in ClinVar:

ClinVar aggregate classification (germline): Uncertain significance (1 of 4 stars; one submission).

Conditions:
Lipodystrophy, partial, acquired, susceptibility to (APLD). Also called: APLD, SUSCEPTIBILITY TO. Identifiers: MedGen C3887501, MONDO:0100476, OMIM 608709.
Progressive myoclonic epilepsy type 9. Identifiers: Orphanet 457265, MedGen C4225289, MONDO:0014685, OMIM 616540.

Submission:

Labcorp Genetics (formerly Invitae), Labcorp
Classification: Uncertain significance for Progressive myoclonic epilepsy type 9; Lipodystrophy, partial, acquired, susceptibility to. Last evaluated: 2018-11-07. Review status: criteria provided, single submitter. Criteria: Invitae Variant Classification Sherloc (09022015). Collection method: clinical testing. Allele origin: germline.
Comment: In summary, the available evidence is currently insufficient to determine the role of this variant in disease. Therefore, it has been classified as a Variant of Uncertain Significance. The current clinical and genetic evidence is not sufficient to establish whether loss-of-function variants in LMNB2 cause disease. This variant has not been reported in the literature in individuals with LMNB2-related disease. This variant is not present in population databases (ExAC no frequency). This sequence change creates a premature translational stop signal (p.Glu400*) in the LMNB2 gene. It is expected to result in an absent or disrupted protein product.

NM_032737.4(LMNB2):c.1198G>T (p.Glu400Ter)

Gene: LMNB2 (lamin B2; minus strand). Cytogenetic location: 19p13.3.
Variant type: single nucleotide variant.
Coding change: c.1198G>T on transcript NM_032737.4 (MANE Select); coding-DNA position 1198, G replaced by T.
Protein change: p.Glu400Ter; replaces glutamic acid 400 with a stop codon.
Molecular consequence: nonsense.
Genome position (GRCh38, 1-based): chr19:2,434,299, C>A on the plus strand (G>T on the coding strand, the complement: LMNB2 is on the minus strand). VCF-style: chr19-2434299-C-A. GRCh37 (hg19) VCF-style: chr19-2434297-C-A.
Other names: short protein forms E400*.
Identifiers: ClinVar variation 542433 (VCV000542433.7), dbSNP rs1555683015, ClinGen allele CA403252561.
Genomic context (GRCh38, chr19:2,434,299, plus strand): 5'-TCCTGCCCTGCCCCTCCTCCTCACTCTGTGCTCCCAAGCCTCCTGGCCTGCCGCACCTCT[C>A]CTCCTCGCCCTCCAGGAGCTTCCGGTAGGCGTTGATCTCCATGTCCAGGGCCAGCTTCAC-3'